The following is an entry in ClinVar:

ClinVar aggregate classification (germline): Uncertain significance (1 of 4 stars; one submission).

Allele frequency attached by ClinVar (database versions not stated): gnomAD exomes below 0.00001; TOPMed 0.00001; ExAC 0.00002; gnomAD 0.00003; 1000 Genomes Project 30x 0.00016; 1000 Genomes Project 0.00020.
gnomAD v4.1: 10 of 1,613,944 alleles (0.00062%); highest among the groups gnomAD compares: African/African-American, 0.0093%; no homozygotes.

Submission:

Labcorp Genetics (formerly Invitae), Labcorp
Classification: Uncertain significance. Last evaluated: 2022-02-22. Review status: criteria provided, single submitter. Criteria: Invitae Variant Classification Sherloc (09022015). Collection method: clinical testing. Allele origin: germline.
Comment: This sequence change replaces glutamic acid, which is acidic and polar, with glycine, which is neutral and non-polar, at codon 573 of the CAD protein (p.Glu573Gly). This variant is present in population databases (rs544222480, gnomAD 0.008%). This variant has not been reported in the literature in individuals affected with CAD-related conditions. Algorithms developed to predict the effect of missense changes on protein structure and function are either unavailable or do not agree on the potential impact of this missense change (SIFT: "Deleterious"; PolyPhen-2: "Benign"; Align-GVGD: "Class C65"). In summary, the available evidence is currently insufficient to determine the role of this variant in disease. Therefore, it has been classified as a Variant of Uncertain Significance.

NM_004341.5(CAD):c.1718A>G (p.Glu573Gly)

Gene: CAD (carbamoyl-phosphate synthetase 2, aspartate transcarbamylase, and dihydroorotase; plus strand). Cytogenetic location: 2p23.3.
Variant type: single nucleotide variant.
Coding change: c.1718A>G on transcript NM_004341.5 (MANE Select); coding-DNA position 1718, A replaced by G.
Protein change: p.Glu573Gly; replaces glutamic acid 573 with glycine.
Molecular consequence: missense variant.
Genome position (GRCh38, 1-based): chr2:27,225,802, A>G. VCF-style: chr2-27225802-A-G. GRCh37 (hg19) VCF-style: chr2-27448670-A-G.
Other names: c.1718A>G, p.Glu573Gly (NM_001306079.2); short protein forms E573G.
Identifiers: ClinVar variation 1911765 (VCV001911765.2), dbSNP rs544222480, ClinGen allele CA1572809.